The following is an entry in ClinVar:

NM_000384.3(APOB):c.29C>T (p.Ala10Val)

Genes: APOB (apolipoprotein B; minus strand), LOC106560211 (APOB 5' regulatory region; plus strand). Cytogenetic location: 2p24.1.
Variant type: single nucleotide variant.
Coding change: c.29C>T on transcript NM_000384.3 (MANE Select); coding-DNA position 29, C replaced by T.
Protein change: p.Ala10Val; replaces alanine 10 with valine.
Molecular consequence: missense variant.
Genome position (GRCh38, 1-based): chr2:21,043,917, G>A on the plus strand (C>T on the coding strand, the complement: APOB is on the minus strand). VCF-style: chr2-21043917-G-A. GRCh37 (hg19) VCF-style: chr2-21266789-G-A.
Other names: short protein forms A10V.
Identifiers: ClinVar variation 4791082 (VCV004791082.1).
Genomic context (GRCh38, chr2:21,043,917, plus strand): 5'-CACTCACCGGCCCTGGCGCCCGCCAGCAGCAGCAGCAGCAGCGCAGGCAGCGCCAGCAGC[G>A]CCAGCAGCGCGGGCCTCGGCGGGTCCATCGCCAGCTGCGGTGGGGCGGCTCCTGGGCTGC-3'
Protein context (NP_000375.3, residues 1-20): MDPPRPALL[Ala10Val]LLALPALLLL

ClinVar aggregate classification (germline): Uncertain significance (1 of 4 stars; one submission).

Conditions:
Familial hypobetalipoproteinemia 1. Also called: APOB-Related Familial Hypobetalipoproteinemia; Hypobetalipoproteinemia, normotriglyceridemic; Acanthocytosis with hypobetalipoproteinemia. Identifiers: MedGen C4551990, MONDO:0014252, OMIM 615558.
Hypercholesterolemia, autosomal dominant, type B (FHCL2). Also called: APOB-Related Familial Hypercholesterolemia, Autosomal Dominant; Familial hypercholesterolemia 2; Familial Hypercholesterolemia Type B; APOLIPOPROTEIN B-100, FAMILIAL DEFECTIVE; APOLIPOPROTEIN B-100, FAMILIAL LIGAND-DEFECTIVE; HYPERCHOLESTEROLEMIA, FAMILIAL, DUE TO LIGAND-DEFECTIVE APOLIPOPROTEIN B. Identifiers: MedGen C1704417, MONDO:0007751, OMIM 144010.

gnomAD v4.1: 4 of 1,411,786 alleles (0.00028%); highest among the groups gnomAD compares: South Asian, 0.0044%; 1 homozygote.

Submission:

Labcorp Genetics (formerly Invitae), Labcorp
Classification: Uncertain significance for Familial hypobetalipoproteinemia 1; Hypercholesterolemia, autosomal dominant, type B. Last evaluated: 2025-08-20. Review status: criteria provided, single submitter. Criteria: Invitae Variant Classification Sherloc (09022015). Collection method: clinical testing. Allele origin: germline.
Comment: This sequence change replaces alanine, which is neutral and non-polar, with valine, which is neutral and non-polar, at codon 10 of the APOB protein (p.Ala10Val). The frequency data for this variant in the population databases is considered unreliable, as metrics indicate poor data quality at this position in the gnomAD database. This variant has not been reported in the literature in individuals affected with APOB-related conditions. Invitae Evidence Modeling of protein sequence and biophysical properties (such as structural, functional, and spatial information, amino acid conservation, physicochemical variation, residue mobility, and thermodynamic stability) indicates that this missense variant is not expected to disrupt APOB protein function with a negative predictive value of 95%. In summary, the available evidence is currently insufficient to determine the role of this variant in disease. Therefore, it has been classified as a Variant of Uncertain Significance.